The following is an entry in ClinVar:

ClinVar aggregate classification (germline): Uncertain significance (1 of 4 stars; one submission).

gnomAD v4.1: 6 of 1,606,236 alleles (0.00037%); highest among the groups gnomAD compares: East Asian, 0.0022%; no homozygotes.

Submission:

GeneDx
Classification: Uncertain significance. Last evaluated: 2025-02-04. Review status: criteria provided, single submitter. Criteria: GeneDx Variant Classification Process June 2021. Collection method: clinical testing. Allele origin: germline. Affected: yes.
Comment: Not observed at significant frequency in large population cohorts (gnomAD); In silico analysis indicates that this missense variant does not alter protein structure/function; Has not been previously published as pathogenic or benign to our knowledge

NM_001039141.3(TRIOBP):c.4887G>C (p.Gln1629His)

Gene: TRIOBP (TRIO and F-actin binding protein; plus strand). Cytogenetic location: 22q13.1.
Variant type: single nucleotide variant.
Coding change: c.4887G>C on transcript NM_001039141.3 (MANE Select); coding-DNA position 4887, G replaced by C.
Protein change: p.Gln1629His; replaces glutamine 1629 with histidine.
Molecular consequence: missense variant.
Genome position (GRCh38, 1-based): chr22:37,735,223, G>C. VCF-style: chr22-37735223-G-C. GRCh37 (hg19) VCF-style: chr22-38131230-G-C.
Other names: short protein forms Q1629H.
Identifiers: ClinVar variation 4072610 (VCV004072610.1).